The following is an entry in ClinVar:

ClinVar aggregate classification (germline): Uncertain significance (1 of 4 stars; one submission).

Submission:

Labcorp Genetics (formerly Invitae), Labcorp
Classification: Uncertain significance. Last evaluated: 2022-03-20. Review status: criteria provided, single submitter. Criteria: Invitae Variant Classification Sherloc (09022015). Collection method: clinical testing. Allele origin: germline.
Comment: In summary, the available evidence is currently insufficient to determine the role of this variant in disease. Therefore, it has been classified as a Variant of Uncertain Significance. Experimental studies and prediction algorithms are not available or were not evaluated, and the functional significance of this variant is currently unknown. This variant has not been reported in the literature in individuals affected with DENND5A-related conditions. Information on the frequency of this variant in the gnomAD database is not available, as this variant may be reported differently in the database. This sequence change replaces glutamine, which is neutral and polar, with histidine, which is basic and polar, at codon 511 of the DENND5A protein (p.Gln511His).

NM_015213.4(DENND5A):c.1533_1534delinsTT (p.Gln511His)

Gene: DENND5A (DENN domain containing 5A; minus strand). Cytogenetic location: 11p15.4.
Variant type: Indel.
Coding change: c.1533_1534delinsTT on transcript NM_015213.4 (MANE Select); coding-DNA positions 1533 to 1534, GC replaced by TT.
Protein change: p.Gln511His; replaces glutamine 511 with histidine.
Molecular consequence: missense variant. On other transcripts: non-coding transcript variant (1).
Genome position (GRCh38, 1-based): chr11:9,178,995-9,178,996, GC replaced by AA on the plus strand (GC replaced by TT on the coding strand, the reverse complement: DENND5A is on the minus strand). VCF-style: chr11-9178995-GC-AA. GRCh37 (hg19) VCF-style: chr11-9200542-GC-AA.
Other names: c.1533_1534delinsTT, p.Gln511His (NM_001243254.2); c.1533_1534delGCinsTT, p.Gln511His (NM_001348748.1); c.1461_1462delinsTT, p.Gln487His (NM_001348749.2); c.1245_1246delinsTT, p.Gln415His (NM_001348750.2); short protein forms Q415H, Q511H, Q487H.
Identifiers: ClinVar variation 2115022 (VCV002115022.4), dbSNP rs2493830478, ClinGen allele CA2580084041.
Genomic context (GRCh38, chr11:9,178,995, plus strand): 5'-CATAATCTGCAAACATCTGAGTGAAACGATTTGCAAAAACTTCCCGGATCTGAATGTTTA[GC>AA]TGGTAAATCCTGAGTTCTTCTTCATCACACTGAACTTTGAGATCCTTATTGCTGCTGGGG-3'
Protein context (NP_056028.2, residues 501-521): QCDEEELRIY[Gln511His]LNIQIREVFA